The following is an entry in ClinVar:

NM_145262.4(GLYCTK):c.1314G>A (p.Pro438=)

Gene: GLYCTK (glycerate kinase; plus strand). Cytogenetic location: 3p21.2.
Variant type: single nucleotide variant.
Coding change: c.1314G>A on transcript NM_145262.4 (MANE Select); coding-DNA position 1314, G replaced by A.
Protein change: p.Pro438=; no amino-acid change (proline 438 retained).
Molecular consequence: synonymous variant. On other transcripts: 3 prime UTR variant (1), non-coding transcript variant (2).
Genome position (GRCh38, 1-based): chr3:52,292,868, G>A. VCF-style: chr3-52292868-G-A. GRCh37 (hg19) VCF-style: chr3-52326884-G-A.
Other names: p.Pro438=; c.*433G>A (NM_001144951.2).
Identifiers: ClinVar variation 1933469 (VCV001933469.6), dbSNP rs1039704518, ClinGen allele CA74736766.

ClinVar aggregate classification (germline): Likely benign. Review status: criteria provided, multiple submitters, no conflicts (2 of 4 stars). 2 submissions from 2 submitters: Likely benign (2). Last evaluated 2025-08-20.

Allele frequency attached by ClinVar (database versions not stated): gnomAD exomes 0.00001; gnomAD 0.00003; TOPMed 0.00003.

Submissions (2):

Mayo Clinic Laboratories, Mayo Clinic
Classification: Likely benign. Last evaluated: 2025-08-20. Review status: criteria provided, single submitter. Criteria: ACMG Guidelines, 2015. Collection method: clinical testing. Allele origin: germline. Observed: 1 variant allele.
Comment: BP4, BP7, PM2_supporting

Labcorp Genetics (formerly Invitae), Labcorp
Classification: Likely benign. Last evaluated: 2025-05-12. Review status: criteria provided, single submitter. Criteria: Invitae Variant Classification Sherloc (09022015). Collection method: clinical testing. Allele origin: germline.